The following is an entry in ClinVar:

NM_001378418.1(TCF20):c.3803_3804del (p.Arg1268fs)

Gene: TCF20 (transcription factor 20; minus strand). Cytogenetic location: 22q13.2.
Variant type: Microsatellite.
Coding change: c.3803_3804del on transcript NM_001378418.1 (MANE Select); coding-DNA positions 3803 to 3804, 2 bases deleted (GA; older notation c.3803_3804delGA).
Protein change: p.Arg1268fs; shifts the reading frame from arginine 1268.
Molecular consequence: frameshift variant.
Genome position (GRCh38, 1-based): chr22:42,211,502-42,211,503, TC deleted on the plus strand (GA on the coding strand, the reverse complement: TCF20 is on the minus strand); deleting any 2 consecutive bases within chr22:42,211,502-42,211,506 gives the same sequence; the c. name uses the placement nearest the transcript's 3' end. VCF-style (leftmost placement, unchanged base first): chr22-42211501-GTC-G. GRCh37 (hg19) VCF-style: chr22-42607507-GTC-G.
Other names: c.3803_3804delGA (NM_005650.3); c.3803_3804del, p.Arg1268fs (NM_005650.4, NM_181492.3); short protein forms R1268fs.
Identifiers: ClinVar variation 590288 (VCV000590288.4), dbSNP rs1569146542, ClinGen allele CA913190469.

ClinVar aggregate classification (germline): Pathogenic/Likely pathogenic. Review status: criteria provided, multiple submitters, no conflicts (2 of 4 stars). 2 submissions from 2 submitters: Pathogenic (1); Likely pathogenic (1). Last evaluated 2019-02-13.

Conditions:
Intellectual disability. Also called: Intellectual developmental disorder; Intellectual functioning disability; intellectual disabilities. Identifiers: MedGen C3714756, MeSH D008607, MONDO:0001071, HP:0001249.
TCF20-related disorder. Also called: TCF20-related condition.

Submissions (2):

Raymond Lab, University of Cambridge
Classification: Pathogenic for Intellectual disability. Last evaluated: 2019-02-13. Review status: criteria provided, single submitter. Criteria: ACMG Guidelines, 2015. Collection method: research. Allele origin: unknown. Affected: yes. Observed: 2 variant alleles.

Sydney Children's Hospital, SCHN
Classification: Likely pathogenic for TCF20-related condition. Last evaluated: 2018-11-06. Review status: criteria provided, single submitter. Criteria: ACMG Guidelines, 2015. Collection method: clinical testing. Allele origin: de novo. Inheritance: Sporadic. Affected: yes. Observed: 3 variant alleles, 3 heterozygotes. Clinical features observed: Intellectual disability (HP:0001249).
Comment: No DNA available from unaffected father. Presumed germline mosaicism.